The following is an entry in ClinVar:

ClinVar aggregate classification (germline): Uncertain significance. Review status: criteria provided, multiple submitters, no conflicts (2 of 4 stars). 2 submissions from 2 submitters: Uncertain significance (2). Last evaluated 2020-10-05.

Conditions:
Fanconi anemia (FA). Also called: Fanconi's anemia. Identifiers: Orphanet 84, MedGen C0015625, MeSH D005199, MONDO:0019391.
Spermatogenic failure 28. Identifiers: MedGen C4748117, MONDO:0054732, OMIM 618086.

Allele frequency attached by ClinVar (database versions not stated): gnomAD exomes below 0.00001; gnomAD 0.00001; TOPMed 0.00001.
gnomAD v4.1: 4 of 1,613,952 alleles (0.00025%); highest among the groups gnomAD compares: African/African-American, 0.0013%; no homozygotes.

Submissions (2):

Labcorp Genetics (formerly Invitae), Labcorp
Classification: Uncertain significance for Fanconi anemia. Last evaluated: 2020-10-05. Review status: criteria provided, single submitter. Criteria: Invitae Variant Classification Sherloc (09022015). Collection method: clinical testing. Allele origin: germline.
Comment: In summary, the available evidence is currently insufficient to determine the role of this variant in disease. Therefore, it has been classified as a Variant of Uncertain Significance. Algorithms developed to predict the effect of missense changes on protein structure and function are either unavailable or do not agree on the potential impact of this missense change (SIFT: "Deleterious"; PolyPhen-2: "Probably Damaging"; Align-GVGD: "Class C0"). This variant has not been reported in the literature in individuals with FANCM-related conditions. This variant is not present in population databases (ExAC no frequency). This sequence change replaces leucine with arginine at codon 1649 of the FANCM protein (p.Leu1649Arg). The leucine residue is moderately conserved and there is a moderate physicochemical difference between leucine and arginine.

Baylor Genetics
Classification: Uncertain significance for Spermatogenic failure 28. Last evaluated: 2019-07-05. Review status: criteria provided, single submitter. Criteria: ACMG Guidelines, 2015. Collection method: clinical testing. Allele origin: unknown. Affected: yes. Study: CSER-TexasKidsCanSeq.
Comment: This variant was determined to be of uncertain significance according to ACMG Guidelines, 2015 [PMID:25741868].

NM_020937.4(FANCM):c.4946T>G (p.Leu1649Arg)

Gene: FANCM (FA complementation group M; plus strand). Cytogenetic location: 14q21.2.
Variant type: single nucleotide variant.
Coding change: c.4946T>G on transcript NM_020937.4 (MANE Select); coding-DNA position 4946, T replaced by G.
Protein change: p.Leu1649Arg; replaces leucine 1649 with arginine.
Molecular consequence: missense variant.
Genome position (GRCh38, 1-based): chr14:45,188,968, T>G. VCF-style: chr14-45188968-T-G. GRCh37 (hg19) VCF-style: chr14-45658171-T-G.
Other names: c.4868T>G, p.Leu1623Arg (NM_001308133.2); short protein forms L1623R, L1649R.
Identifiers: ClinVar variation 997501 (VCV000997501.8), dbSNP rs1472981713, ClinGen allele CA389611654.